The following is an entry in ClinVar:

NM_001048174.2(MUTYH):c.1549A>T (p.Asn517Tyr)

Gene: MUTYH (mutY DNA glycosylase; minus strand). Cytogenetic location: 1p34.1.
Variant type: single nucleotide variant.
Coding change: c.1549A>T on transcript NM_001048174.2 (MANE Select); coding-DNA position 1549, A replaced by T.
Protein change: p.Asn517Tyr; replaces asparagine 517 with tyrosine.
Molecular consequence: missense variant. On other transcripts: non-coding transcript variant (7).
Genome position (GRCh38, 1-based): chr1:45,329,323, T>A on the plus strand (A>T on the coding strand, the complement: MUTYH is on the minus strand). VCF-style: chr1-45329323-T-A. GRCh37 (hg19) VCF-style: chr1-45794995-T-A.
Other names: c.1552A>T, p.Asn518Tyr (NM_001407078.1, NM_001407086.1, NM_001048172.2 and 1 more transcripts); c.1510A>T, p.Asn504Tyr (NM_001407079.1); c.1507A>T, p.Asn503Tyr (NM_001407080.1); c.1549A>T, p.Asn517Tyr (NM_001407081.1, NM_001407088.1, NM_001048171.2 and 6 more transcripts); c.1204A>T, p.Asn402Tyr (NM_001407082.1, NM_001350650.2, NM_001350651.2); c.1591A>T, p.Asn531Tyr (NM_001407083.1, NM_001407085.1); c.1570A>T, p.Asn524Tyr (NM_001407087.1); c.1633A>T, p.Asn545Tyr (NM_001128425.2); and 5 more; short protein forms N504Y, N518Y, N489Y, N517Y, N524Y, N425Y, N528Y, N531Y.
Identifiers: ClinVar variation 4113473 (VCV004113473.1).

ClinVar aggregate classification (germline): Uncertain significance (1 of 4 stars; one submission).

Conditions:
Hereditary cancer-predisposing syndrome. Also called: Hereditary neoplastic syndrome; Neoplastic Syndromes, Hereditary; Tumor predisposition; Hereditary Cancer Syndrome. Identifiers: Orphanet 140162, MedGen C0027672, MeSH D009386, MONDO:0015356.

Submission:

Ambry Genetics
Classification: Uncertain significance for Hereditary cancer-predisposing syndrome. Last evaluated: 2025-08-27. Review status: criteria provided, single submitter. Criteria: Ambry Variant Classification Scheme 2023. Collection method: clinical testing. Allele origin: germline.
Comment: The p.N545Y variant (also known as c.1633A>T), located in coding exon 16 of the MUTYH gene, results from an A to T substitution at nucleotide position 1633. The asparagine at codon 545 is replaced by tyrosine, an amino acid with dissimilar properties. This amino acid position is conserved. In addition, this alteration is predicted to be tolerated by in silico analysis. Based on the available evidence, the clinical significance of this variant remains unclear.